The following is an entry in ClinVar:

NC_000016.9:g.(?_89576878)_(89579465_?)del

Gene: SPG7 (SPG7 matrix AAA peptidase subunit, paraplegin; plus strand). Cytogenetic location: 16q24.3.
Variant type: Deletion.
Identifiers: ClinVar variation 1455682 (VCV001455682.7).

ClinVar aggregate classification (germline): Pathogenic (1 of 4 stars; one submission).

Conditions:
Hereditary spastic paraplegia 7 (SPG7). Also called: Autosomal recessive spastic paraplegia type 7; SPG7-related neurologic disorder; SPASTIC PARAPLEGIA 7, AUTOSOMAL RECESSIVE, WITH OR WITHOUT CEREBELLAR ATAXIA; Spastic paraplegia 7; Hereditary spastic paraplegia Paraplegin type. Identifiers: Orphanet 99013, MedGen C1846564, MONDO:0011803, OMIM 607259.

Submission:

Labcorp Genetics (formerly Invitae), Labcorp
Classification: Pathogenic for Hereditary spastic paraplegia 7. Last evaluated: 2022-08-16. Review status: criteria provided, single submitter. Criteria: Invitae Variant Classification Sherloc (09022015). Collection method: clinical testing. Allele origin: germline.
Comment: For these reasons, this variant has been classified as Pathogenic. A similar copy number variant has been observed in individual(s) with clinical features of hereditary spastic paraplegia (Invitae). In at least one individual the data is consistent with being in trans (on the opposite chromosome) from a pathogenic variant. It has also been observed to segregate with disease in related individuals. This variant is a gross deletion of the genomic region encompassing exon(s) 2-3 of the SPG7 gene. This deletion is out-of-frame, and is expected to create a premature termination codon and result in an absent or disrupted protein product. Loss-of-function variants in SPG7 are known to be pathogenic (PMID: 21623769, 22964162).

Literature cited by the submitters: PubMed 21623769; PubMed 22964162.